The following is an entry in ClinVar:

NM_000059.4(BRCA2):c.6223A>T (p.Lys2075Ter)

Gene: BRCA2 (BRCA2 DNA repair associated; plus strand). Cytogenetic location: 13q13.1.
Variant type: single nucleotide variant.
Coding change: c.6223A>T on transcript NM_000059.4 (MANE Select); coding-DNA position 6223, A replaced by T.
Protein change: p.Lys2075Ter; replaces lysine 2075 with a stop codon.
Molecular consequence: nonsense.
Genome position (GRCh38, 1-based): chr13:32,340,578, A>T. VCF-style: chr13-32340578-A-T. GRCh37 (hg19) VCF-style: chr13-32914715-A-T.
Other names: short protein forms K2075*.
Identifiers: ClinVar variation 479359 (VCV000479359.5), dbSNP rs1555284602, ClinGen allele CA387788877.

ClinVar aggregate classification (germline): Pathogenic (1 of 4 stars; one submission).

Conditions:
Hereditary cancer-predisposing syndrome. Also called: Neoplastic Syndromes, Hereditary; Hereditary Cancer Syndrome; Hereditary neoplastic syndrome; Tumor predisposition. Identifiers: Orphanet 140162, MedGen C0027672, MeSH D009386, MONDO:0015356.

Submission:

Ambry Genetics
Classification: Pathogenic for Hereditary cancer-predisposing syndrome. Last evaluated: 2016-10-25. Review status: criteria provided, single submitter. Criteria: Ambry Variant Classification Scheme 2023. Collection method: clinical testing. Allele origin: germline.
Comment: The p.K2075* pathogenic mutation (also known as c.6223A>T), located in coding exon 10 of the BRCA2 gene, results from an A to T substitution at nucleotide position 6223. This changes the amino acid from a lysine to a stop codon within coding exon 10. This alteration is expected to result in loss of function by premature protein truncation or nonsense-mediated mRNA decay. As such, this alteration is interpreted as a disease-causing mutation.